The following is an entry in ClinVar:

NM_000179.3(MSH6):c.1921G>T (p.Glu641Ter)

Gene: MSH6 (mutS homolog 6; plus strand). Cytogenetic location: 2p16.3.
Variant type: single nucleotide variant.
Coding change: c.1921G>T on transcript NM_000179.3 (MANE Select); coding-DNA position 1921, G replaced by T.
Protein change: p.Glu641Ter; replaces glutamic acid 641 with a stop codon.
Molecular consequence: nonsense.
Genome position (GRCh38, 1-based): chr2:47,799,904, G>T. VCF-style: chr2-47799904-G-T. GRCh37 (hg19) VCF-style: chr2-48027043-G-T.
Other names: c.1531G>T, p.Glu511Ter (NM_001281492.2); c.1015G>T, p.Glu339Ter (NM_001281493.2, NM_001281494.2); short protein forms E641*, E511*, E339*.
Identifiers: ClinVar variation 546003 (VCV000546003.18), dbSNP rs1553413305, ClinGen allele CA346750292.

ClinVar aggregate classification (germline): Pathogenic. Review status: criteria provided, multiple submitters, no conflicts (2 of 4 stars). 6 submissions from 6 submitters: Pathogenic (6). Last evaluated 2026-05-28.

Conditions:
Hereditary nonpolyposis colon cancer (HNPCC). Also called: Hereditary Nonpolyposis Colorectal Cancer Syndrome; Hereditary nonpolyposis colorectal cancer; Familial nonpolyposis colon cancer. Identifiers: Orphanet 443909, MedGen C1333990, MONDO:0018630. Disease mechanism: loss of function.
Hereditary nonpolyposis colorectal neoplasms. Identifiers: MedGen C0009405, MeSH D003123.
Hereditary cancer-predisposing syndrome. Also called: Tumor predisposition; Hereditary Cancer Syndrome; Neoplastic Syndromes, Hereditary; Hereditary neoplastic syndrome. Identifiers: Orphanet 140162, MedGen C0027672, MeSH D009386, MONDO:0015356.
Lynch syndrome 5 (LYNCH5). Also called: Colorectal cancer, hereditary nonpolyposis, type 5; Hereditary non-polyposis colorectal cancer, type 5. Identifiers: Orphanet 144, MedGen C1833477, MONDO:0013710, OMIM 614350. Disease mechanism: loss of function.

Submissions (6):

Women's Health and Genetics/Laboratory Corporation of America, LabCorp
Classification: Pathogenic for Hereditary nonpolyposis colon cancer. Last evaluated: 2026-05-28. Review status: criteria provided, single submitter. Criteria: LabCorp Variant Classification Summary - May 2015. Collection method: clinical testing. Allele origin: germline.
Comment: Variant summary: MSH6 c.1921G>T (p.Glu641X) results in a premature termination codon, predicted to cause a truncation of the encoded protein or absence of the protein due to nonsense mediated decay, which are commonly known mechanisms for disease. The variant was absent in 251038 control chromosomes. To our knowledge, no occurrence of c.1921G>T in individuals affected with MSH6-related conditions and no experimental evidence demonstrating its impact on protein function have been reported. ClinVar contains an entry for this variant (Variation ID: 546003). Based on the evidence outlined above, the variant was classified as pathogenic.

Color Diagnostics, LLC DBA Color Health
Classification: Pathogenic for Hereditary cancer-predisposing syndrome. Last evaluated: 2025-07-09. Review status: criteria provided, single submitter. Criteria: ACMG Guidelines, 2015. Collection method: clinical testing. Allele origin: germline.
Comment: This variant changes 1 nucleotide in exon 4 of the MSH6 gene, creating a premature translation stop signal. This variant is expected to result in an absent or non-functional protein product. To our knowledge, this variant has not been reported in individuals affected with MSH6-related disorders in the literature. This variant has not been identified in the general population by the Genome Aggregation Database (gnomAD). Loss of MSH6 function is a known mechanism of disease. Based on the available evidence, this variant is classified as Pathogenic.

GeneDx
Classification: Pathogenic. Last evaluated: 2025-05-29. Review status: criteria provided, single submitter. Criteria: GeneDx Variant Classification Process June 2021. Collection method: clinical testing. Allele origin: germline. Affected: yes.
Comment: Nonsense variant predicted to result in protein truncation or nonsense mediated decay in a gene for which loss of function is a known mechanism of disease; Not observed at significant frequency in large population cohorts (gnomAD); Truncating variants in this gene are considered pathogenic by a well-established clinical consortium and/or database; This variant is associated with the following publications: (PMID: 28481359)

Labcorp Genetics (formerly Invitae), Labcorp
Classification: Pathogenic for Hereditary nonpolyposis colorectal neoplasms. Last evaluated: 2024-01-30. Review status: criteria provided, single submitter. Criteria: Invitae Variant Classification Sherloc (09022015). Collection method: clinical testing. Allele origin: germline.
Comment: This sequence change creates a premature translational stop signal (p.Glu641*) in the MSH6 gene. It is expected to result in an absent or disrupted protein product. Loss-of-function variants in MSH6 are known to be pathogenic (PMID: 18269114, 24362816). This variant is not present in population databases (gnomAD no frequency). This variant has not been reported in the literature in individuals affected with MSH6-related conditions. ClinVar contains an entry for this variant (Variation ID: 546003). For these reasons, this variant has been classified as Pathogenic.

Myriad Genetics, Inc.
Classification: Pathogenic for Lynch syndrome 5. Last evaluated: 2023-08-16. Review status: criteria provided, single submitter. Criteria: Myriad Autosomal Dominant, Autosomal Recessive and X-Linked Classification Criteria (2023). Collection method: clinical testing. Allele origin: unknown.
Comment: This variant is considered pathogenic. This variant creates a termination codon and is predicted to result in premature protein truncation.

Ambry Genetics
Classification: Pathogenic for Hereditary cancer-predisposing syndrome. Last evaluated: 2021-12-21. Review status: criteria provided, single submitter. Criteria: Ambry Variant Classification Scheme 2023. Collection method: clinical testing. Allele origin: germline.
Comment: The p.E641* pathogenic mutation (also known as c.1921G>T), located in coding exon 4 of the MSH6 gene, results from a G to T substitution at nucleotide position 1921. This changes the amino acid from a glutamic acid to a stop codon within coding exon 4. This alteration is expected to result in loss of function by premature protein truncation or nonsense-mediated mRNA decay. As such, this alteration is interpreted as a disease-causing mutation.

Literature cited by the submitters: PubMed 18269114 (cited by Labcorp Genetics (formerly Invitae), Labcorp); PubMed 24362816 (cited by Labcorp Genetics (formerly Invitae), Labcorp).